The following is an entry in ClinVar:

NM_017777.4(MKS1):c.85C>T (p.His29Tyr)

Gene: MKS1 (MKS transition zone complex subunit 1; minus strand). Cytogenetic location: 17q22.
Variant type: single nucleotide variant.
Coding change: c.85C>T on transcript NM_017777.4 (MANE Select); coding-DNA position 85, C replaced by T.
Protein change: p.His29Tyr; replaces histidine 29 with tyrosine.
Molecular consequence: missense variant. On other transcripts: 5 prime UTR variant (1).
Genome position (GRCh38, 1-based): chr17:58,218,725, G>A on the plus strand (C>T on the coding strand, the complement: MKS1 is on the minus strand). VCF-style: chr17-58218725-G-A. GRCh37 (hg19) VCF-style: chr17-56296086-G-A.
Other names: c.-427C>T (NM_001321268.2); c.85C>T, p.His29Tyr (NM_001321269.2, NM_001330397.2); short protein forms H29Y.
Identifiers: ClinVar variation 1345144 (VCV001345144.8), dbSNP rs1969410240, ClinGen allele CA400328082.
Genomic context (GRCh38, chr17:58,218,725, plus strand): 5'-TCCCGAGCTCGGCAGCAGGCTGATAATGAAGAAAGTTGCTTGATGTGATTCTTTGCAGGT[G>A]GACTCTGTCAAGAAAAGCCCAAAATATTCGTTACCAGACACGCAACCAGGAGATGAACAC-3'
Protein context (NP_060247.2, residues 19-39): DPVRNLRLRV[His29Tyr]LQRITSSNFL

ClinVar aggregate classification (germline): Uncertain significance (1 of 4 stars; one submission).

Conditions:
Joubert syndrome. Also called: CEREBELLOPARENCHYMAL DISORDER IV; JOUBERT-BOLTSHAUSER SYNDROME; Familial aplasia of the vermis. Identifiers: Orphanet 475, MedGen C5979921, MONDO:0018772.
Meckel-Gruber syndrome. Also called: DYSENCEPHALIA SPLANCHNOCYSTICA; GRUBER SYNDROME; Dysencephalia splachnocystica. Identifiers: Orphanet 564, MedGen C0265215, MONDO:0018921.

Allele frequency attached by ClinVar (database versions not stated): gnomAD exomes below 0.00001.

Submission:

Labcorp Genetics (formerly Invitae), Labcorp
Classification: Uncertain significance for Joubert syndrome; Meckel-Gruber syndrome. Last evaluated: 2022-11-29. Review status: criteria provided, single submitter. Criteria: Invitae Variant Classification Sherloc (09022015). Collection method: clinical testing. Allele origin: germline.
Comment: In summary, the available evidence is currently insufficient to determine the role of this variant in disease. Therefore, it has been classified as a Variant of Uncertain Significance. Advanced modeling of protein sequence and biophysical properties (such as structural, functional, and spatial information, amino acid conservation, physicochemical variation, residue mobility, and thermodynamic stability) performed at Invitae indicates that this missense variant is not expected to disrupt MKS1 protein function. ClinVar contains an entry for this variant (Variation ID: 1345144). This variant has not been reported in the literature in individuals affected with MKS1-related conditions. This variant is not present in population databases (gnomAD no frequency). This sequence change replaces histidine, which is basic and polar, with tyrosine, which is neutral and polar, at codon 29 of the MKS1 protein (p.His29Tyr).